The following is an entry in ClinVar:

ClinVar aggregate classification (germline): Benign. Review status: criteria provided, multiple submitters, no conflicts (2 of 4 stars). 2 submissions from 2 submitters: Benign (2). Last evaluated 2018-01-12.

Conditions:
Isolated focal non-epidermolytic palmoplantar keratoderma. Also called: Palmoplantar keratoderma, nonepidermolytic, focal 2. Identifiers: Orphanet 448264, MedGen C4225339, MONDO:0014622, OMIM 616400.

Allele frequency attached by ClinVar (database versions not stated): TOPMed 0.21609; 1000 Genomes Project 30x 0.14241; gnomAD 0.21789 and 0.22552; 1000 Genomes Project 0.13958; gnomAD exomes 0.30556.
gnomAD v4.1: 33,301 of 151,998 alleles (22%); highest among the groups gnomAD compares: Non-Finnish European, 27%; 3,946 homozygotes.

Submissions (2):

Illumina Laboratory Services, Illumina
Classification: Benign for Isolated focal non-epidermolytic palmoplantar keratoderma. Last evaluated: 2018-01-12. Review status: criteria provided, single submitter. Criteria: ICSL Variant Classification Criteria 13 December 2019. Collection method: clinical testing. Allele origin: germline.
Comment: This variant was observed in the ICSL laboratory as part of a predisposition screen in an ostensibly healthy population. It had not been previously curated by ICSL or reported in the Human Gene Mutation Database (HGMD: prior to June 1st, 2018), and was therefore a candidate for classification through an automated scoring system. Utilizing variant allele frequency, disease prevalence and penetrance estimates, and inheritance mode, an automated score was calculated to assess if this variant is too frequent to cause the disease. Based on the score and internal cut-off values, a variant classified as benign is not then subjected to further curation. The score for this variant resulted in a classification of benign for this disease.

Breakthrough Genomics
Classification: Benign. Review status: criteria provided, single submitter. Criteria: ACMG Guidelines, 2015. Collection method: not provided. Allele origin: germline. Inheritance: Autosomal dominant inheritance. Affected: yes.

NM_145068.4(TRPV3):c.*1565T>C

Genes: SPATA22 (spermatogenesis associated 22; minus strand), TRPV3 (transient receptor potential cation channel subfamily V member 3; minus strand). Cytogenetic location: 17p13.2.
Variant type: single nucleotide variant.
Coding change: c.*1565T>C on transcript NM_145068.4 (MANE Select); 1565 bases downstream of the stop codon, T replaced by C.
Molecular consequence: 3 prime UTR variant. On other transcripts: intron variant (2).
Genome position (GRCh38, 1-based): chr17:3,512,352, A>G on the plus strand (T>C on the coding strand, the complement: TRPV3 is on the minus strand). VCF-style: chr17-3512352-A-G. GRCh37 (hg19) VCF-style: chr17-3415646-A-G.
Other names: c.*1565T>C (NM_001258205.2); c.-74+1060T>C (NM_001321336.2, NM_001321337.2).
Identifiers: ClinVar variation 322719 (VCV000322719.8), dbSNP rs9303177, ClinGen allele CA10649039.